The following is an entry in ClinVar:

ClinVar aggregate classification (germline): Uncertain significance. Review status: criteria provided, multiple submitters, no conflicts (2 of 4 stars). 2 submissions from 2 submitters: Uncertain significance (2). Last evaluated 2025-08-29.

Conditions:
Inborn genetic diseases. Identifiers: MedGen C0950123, MeSH D030342.

Allele frequency attached by ClinVar (database versions not stated): TOPMed below 0.00001; gnomAD 0.00001.
gnomAD v4.1: 9 of 1,614,094 alleles (0.00056%); highest among the groups gnomAD compares: African/African-American, 0.0013%; no homozygotes.

Submissions (2):

Labcorp Genetics (formerly Invitae), Labcorp
Classification: Uncertain significance. Last evaluated: 2025-08-29. Review status: criteria provided, single submitter. Criteria: Invitae Variant Classification Sherloc (09022015). Collection method: clinical testing. Allele origin: germline.
Comment: This sequence change replaces histidine, which is basic and polar, with leucine, which is neutral and non-polar, at codon 1711 of the HIVEP2 protein (p.His1711Leu). This variant is not present in population databases (gnomAD no frequency). This variant has not been reported in the literature in individuals affected with HIVEP2-related conditions. This missense change has been observed in at least one individual who was not affected with HIVEP2-related conditions (internal data). ClinVar contains an entry for this variant (Variation ID: 521811). Invitae Evidence Modeling of protein sequence and biophysical properties (such as structural, functional, and spatial information, amino acid conservation, physicochemical variation, residue mobility, and thermodynamic stability) indicates that this missense variant is expected to disrupt HIVEP2 protein function with a positive predictive value of 80%. In summary, the available evidence is currently insufficient to determine the role of this variant in disease. Therefore, it has been classified as a Variant of Uncertain Significance.

Ambry Genetics
Classification: Uncertain significance for Inborn genetic diseases. Last evaluated: 2017-05-22. Review status: criteria provided, single submitter. Criteria: Ambry exome assertion method (8-5-2015). Collection method: clinical testing. Allele origin: germline. Affected: yes. Observed: 1 variant allele.

NM_006734.4(HIVEP2):c.5132A>T (p.His1711Leu)

Gene: HIVEP2 (HIVEP zinc finger 2; minus strand). Cytogenetic location: 6q24.2.
Variant type: single nucleotide variant.
Coding change: c.5132A>T on transcript NM_006734.4 (MANE Select); coding-DNA position 5132, A replaced by T.
Protein change: p.His1711Leu; replaces histidine 1711 with leucine.
Molecular consequence: missense variant.
Genome position (GRCh38, 1-based): chr6:142,769,607, T>A on the plus strand (A>T on the coding strand, the complement: HIVEP2 is on the minus strand). VCF-style: chr6-142769607-T-A. GRCh37 (hg19) VCF-style: chr6-143090744-T-A.
Other names: short protein forms H1711L.
Identifiers: ClinVar variation 521811 (VCV000521811.5), dbSNP rs751091645, ClinGen allele CA149014208.
Genomic context (GRCh38, chr6:142,769,607, plus strand): 5'-GTTACCTGAGTAAACTGCTTCCAAGCACTTGATGATGTAAGCTTGCCGGTTCCAGGCCTA[T>A]GCATAGCAGCCAGAGTATAAATTTCTGCAGTGATTTTTTGCTTGGACCTCAGAAGAGCCA-3'
Protein context (NP_006725.3, residues 1701-1721): TAEIYTLAAM[His1711Leu]RPGTGKLTSS